The following is an entry in ClinVar:

NM_014974.3(DIP2C):c.146C>T (p.Pro49Leu)

Gene: DIP2C (DIP2 acetate--CoA ligase C (putative); minus strand). Cytogenetic location: 10p15.3.
Variant type: single nucleotide variant.
Coding change: c.146C>T on transcript NM_014974.3 (MANE Select); coding-DNA position 146, C replaced by T.
Protein change: p.Pro49Leu; replaces proline 49 with leucine.
Molecular consequence: missense variant.
Genome position (GRCh38, 1-based): chr10:486,470, G>A on the plus strand (C>T on the coding strand, the complement: DIP2C is on the minus strand). VCF-style: chr10-486470-G-A. GRCh37 (hg19) VCF-style: chr10-532410-G-A.
Other names: short protein forms P49L.
Identifiers: ClinVar variation 2991363 (VCV002991363.3), dbSNP rs147669357, ClinGen allele CA5381554.

ClinVar aggregate classification (germline): Uncertain significance (1 of 4 stars; one submission).

Allele frequency attached by ClinVar (database versions not stated): gnomAD 0.00001; gnomAD exomes 0.00001; TOPMed 0.00001; ExAC 0.00002.
gnomAD v4.1: 15 of 1,600,398 alleles (0.00094%); highest among the groups gnomAD compares: African/African-American, 0.0027%; no homozygotes.

Submission:

Labcorp Genetics (formerly Invitae), Labcorp
Classification: Uncertain significance. Last evaluated: 2023-02-15. Review status: criteria provided, single submitter. Criteria: Invitae Variant Classification Sherloc (09022015). Collection method: clinical testing. Allele origin: germline.
Comment: This sequence change replaces proline, which is neutral and non-polar, with leucine, which is neutral and non-polar, at codon 49 of the DIP2C protein (p.Pro49Leu). This variant is present in population databases (rs147669357, gnomAD 0.006%). This variant has not been reported in the literature in individuals affected with DIP2C-related conditions. An algorithm developed to predict the effect of missense changes on protein structure and function (PolyPhen-2) suggests that this variant is likely to be tolerated. In summary, the available evidence is currently insufficient to determine the role of this variant in disease. Therefore, it has been classified as a Variant of Uncertain Significance.